The following is an entry in ClinVar:

NM_001142800.2(EYS):c.1575G>A (p.Trp525Ter)

Gene: EYS (EGF-like photoreceptor maintenance factor; minus strand). Cytogenetic location: 6q12.
Variant type: single nucleotide variant.
Coding change: c.1575G>A on transcript NM_001142800.2 (MANE Select); coding-DNA position 1575, G replaced by A.
Protein change: p.Trp525Ter; replaces tryptophan 525 with a stop codon.
Molecular consequence: nonsense.
Genome position (GRCh38, 1-based): chr6:65,344,062, C>T on the plus strand (G>A on the coding strand, the complement: EYS is on the minus strand). VCF-style: chr6-65344062-C-T. GRCh37 (hg19) VCF-style: chr6-66053955-C-T.
Other names: c.1575G>A, p.Trp525Ter (NM_001142801.2, NM_001292009.2, NM_198283.2); short protein forms W525*.
Identifiers: ClinVar variation 2118757 (VCV002118757.4), dbSNP rs1019315150, ClinGen allele CA364661341.

ClinVar aggregate classification (germline): Pathogenic (1 of 4 stars; one submission).

Submission:

Labcorp Genetics (formerly Invitae), Labcorp
Classification: Pathogenic. Last evaluated: 2022-03-28. Review status: criteria provided, single submitter. Criteria: Invitae Variant Classification Sherloc (09022015). Collection method: clinical testing. Allele origin: germline.
Comment: This variant has not been reported in the literature in individuals affected with EYS-related conditions. This variant is not present in population databases (gnomAD no frequency). This sequence change creates a premature translational stop signal (p.Trp525*) in the EYS gene. It is expected to result in an absent or disrupted protein product. Loss-of-function variants in EYS are known to be pathogenic (PMID: 18836446, 20333770). For these reasons, this variant has been classified as Pathogenic.

Literature cited by the submitters: PubMed 18836446; PubMed 20333770.